The following is an entry in ClinVar:

ClinVar aggregate classification (germline): Uncertain significance (1 of 4 stars; one submission).

Conditions:
Dilated cardiomyopathy 1R (CMD1R). Identifiers: Orphanet 154, Orphanet 54260, MedGen C3150681, MONDO:0013261, OMIM 613424.
Atrial septal defect 5 (ASD5). Identifiers: Orphanet 1478, MedGen C2748552, MONDO:0013011, OMIM 612794.
Hypertrophic cardiomyopathy 11. Also called: ACTC1-Related Familial Hypertrophic Cardiomyopathy. Identifiers: MedGen C2677506, MONDO:0012799, OMIM 612098.

Submission:

Labcorp Genetics (formerly Invitae), Labcorp
Classification: Uncertain significance for Dilated cardiomyopathy 1R; Hypertrophic cardiomyopathy 11; Atrial septal defect 5. Last evaluated: 2024-02-26. Review status: criteria provided, single submitter. Criteria: Invitae Variant Classification Sherloc (09022015). Collection method: clinical testing. Allele origin: germline.
Comment: This sequence change replaces leucine, which is neutral and non-polar, with methionine, which is neutral and non-polar, at codon 295 of the ACTC1 protein (p.Leu295Met). This variant is not present in population databases (gnomAD no frequency). This variant has not been reported in the literature in individuals affected with ACTC1-related conditions. ClinVar contains an entry for this variant (Variation ID: 1477386). Advanced modeling of protein sequence and biophysical properties (such as structural, functional, and spatial information, amino acid conservation, physicochemical variation, residue mobility, and thermodynamic stability) performed at Invitae indicates that this missense variant is not expected to disrupt ACTC1 protein function with a negative predictive value of 80%. In summary, the available evidence is currently insufficient to determine the role of this variant in disease. Therefore, it has been classified as a Variant of Uncertain Significance.

NM_005159.5(ACTC1):c.883C>A (p.Leu295Met)

Genes: GJD2-DT (GJD2 divergent transcript; plus strand), ACTC1 (actin alpha cardiac muscle 1; minus strand). Cytogenetic location: 15q14.
Variant type: single nucleotide variant.
Coding change: c.883C>A on transcript NM_005159.5 (MANE Select); coding-DNA position 883, C replaced by A.
Protein change: p.Leu295Met; replaces leucine 295 with methionine.
Molecular consequence: missense variant.
Genome position (GRCh38, 1-based): chr15:34,791,221, G>T on the plus strand (C>A on the coding strand, the complement: ACTC1 is on the minus strand). VCF-style: chr15-34791221-G-T. GRCh37 (hg19) VCF-style: chr15-35083422-G-T.
Other names: short protein forms L295M.
Identifiers: ClinVar variation 1477386 (VCV001477386.8), dbSNP rs2140429655, ClinGen allele CA391629501.